The following is an entry in ClinVar:

ClinVar aggregate classification (germline): Uncertain significance (1 of 4 stars; one submission).

Allele frequency attached by ClinVar (database versions not stated): TOPMed below 0.00001.

Submission:

Labcorp Genetics (formerly Invitae), Labcorp
Classification: Uncertain significance. Last evaluated: 2022-06-24. Review status: criteria provided, single submitter. Criteria: Invitae Variant Classification Sherloc (09022015). Collection method: clinical testing. Allele origin: germline.
Comment: In summary, the available evidence is currently insufficient to determine the role of this variant in disease. Therefore, it has been classified as a Variant of Uncertain Significance. Advanced modeling of protein sequence and biophysical properties (such as structural, functional, and spatial information, amino acid conservation, physicochemical variation, residue mobility, and thermodynamic stability) performed at Invitae indicates that this missense variant is not expected to disrupt SLC26A5 protein function. This sequence change replaces glutamic acid, which is acidic and polar, with lysine, which is basic and polar, at codon 721 of the SLC26A5 protein (p.Glu721Lys). This variant is not present in population databases (gnomAD no frequency). This variant has not been reported in the literature in individuals affected with SLC26A5-related conditions.

NM_198999.3(SLC26A5):c.2161G>A (p.Glu721Lys)

Gene: SLC26A5 (solute carrier family 26 member 5; minus strand). Cytogenetic location: 7q22.1.
Variant type: single nucleotide variant.
Coding change: c.2161G>A on transcript NM_198999.3 (MANE Select); coding-DNA position 2161, G replaced by A.
Protein change: p.Glu721Lys; replaces glutamic acid 721 with lysine.
Molecular consequence: missense variant. On other transcripts: non-coding transcript variant (4), intron variant (4).
Genome position (GRCh38, 1-based): chr7:103,374,473, C>T on the plus strand (G>A on the coding strand, the complement: SLC26A5 is on the minus strand). VCF-style: chr7-103374473-C-T. GRCh37 (hg19) VCF-style: chr7-103014920-C-T.
Other names: c.2065G>A, p.Glu689Lys (NM_001167962.2); c.972-21547G>A (NM_206885.3); c.1945+2335G>A (NM_001321787.2); c.1514+14535G>A (NM_206884.3); c.2041+2335G>A (NM_206883.3); short protein forms E689K, E721K.
Identifiers: ClinVar variation 2100569 (VCV002100569.4), dbSNP rs867425791, ClinGen allele CA368749604.